The following is an entry in ClinVar:

ClinVar aggregate classification (germline): Likely pathogenic (1 of 4 stars; one submission).

Conditions:
Hypotonia, hypoventilation, impaired intellectual development, dysautonomia, epilepsy, and eye abnormalities. Also called: HYPOTONIA, HYPERVENTILATION, IMPAIRED INTELLECTUAL DEVELOPMENT, DYSAUTONOMIA, EPILEPSY, AND EYE ABNORMALITIES. Identifiers: MedGen C5193124, MONDO:0032780, OMIM 618493.

Submission:

Neuberg Centre For Genomic Medicine, NCGM
Classification: Likely pathogenic for Hypotonia, hypoventilation, impaired intellectual development, dysautonomia, epilepsy, and eye abnormalities. Review status: criteria provided, single submitter. Criteria: ACMG Guidelines, 2015. Collection method: clinical testing. Allele origin: germline. Inheritance: Autosomal recessive inheritance. Affected: yes.
Comment: The frameshift variant c.1165_1166delAG (p.L390Dfs*4) in P4HTM has not been reported previously as a pathogenic variant nor as a benign variant, to our knowledge. This p.L390Dfs*4 variant is novel (not in any individuals) in gnomAD Exomes and is novel (not in any individuals) in 1000 Genomes. This variant is predicted to cause loss of normal protein function through protein truncation. Loss of function variants have been previously reported to be disease causing. For these reasons, this variant has been classified as Likely Pathogenic.

NM_177939.3(P4HTM):c.1165_1166del

Gene: P4HTM (prolyl 4-hydroxylase, transmembrane; plus strand). Cytogenetic location: 3p21.31.
Variant type: Microsatellite.
Coding change: c.1165_1166del on transcript NM_177939.3 (MANE Select); coding-DNA positions 1165 to 1166, 2 bases deleted (AG; older notation c.1165_1166delAG).
Molecular consequence: splice acceptor variant.
Genome position (GRCh38, 1-based): chr3:49,006,064-49,006,065, AG deleted; deleting any 2 consecutive bases within chr3:49,006,062-49,006,065 gives the same sequence; the c. name uses the placement nearest the transcript's 3' end. VCF-style (leftmost placement, unchanged base first): chr3-49006061-CAG-C. GRCh37 (hg19) VCF-style: chr3-49043494-CAG-C.
Identifiers: ClinVar variation 2585134 (VCV002585134.1), dbSNP rs758831068, ClinGen allele CA73997092.